The following is an entry in ClinVar:

ClinVar aggregate classification (germline): Pathogenic (1 of 4 stars; one submission).

Submission:

Labcorp Genetics (formerly Invitae), Labcorp
Classification: Pathogenic. Last evaluated: 2022-08-10. Review status: criteria provided, single submitter. Criteria: Invitae Variant Classification Sherloc (09022015). Collection method: clinical testing. Allele origin: germline.
Comment: For these reasons, this variant has been classified as Pathogenic. This variant has not been reported in the literature in individuals affected with LAMA1-related conditions. This variant is a gross deletion of the genomic region encompassing exon(s) 45-46 of the LAMA1 gene. This deletion is out-of-frame, and is expected to create a premature termination codon and result in an absent or disrupted protein product. Loss-of-function variants in LAMA1 are known to be pathogenic (PMID: 25105227, 26932191).

Literature cited by the submitters: PubMed 25105227; PubMed 26932191.

NC_000018.9:g.(?_6974882)_(6976099_?)del

Gene: LAMA1 (laminin subunit alpha 1; minus strand). Cytogenetic location: 18p11.31.
Variant type: Deletion.
Identifiers: ClinVar variation 2425369 (VCV002425369.4).